The following is an entry in ClinVar:

NM_015662.3(IFT172):c.3580C>G (p.His1194Asp)

Genes: IFT172 (intraflagellar transport 172; minus strand), LOC126806173 (BRD4-independent group 4 enhancer GRCh37_chr2:27676057-27677256; plus strand). Cytogenetic location: 2p23.3.
Variant type: single nucleotide variant.
Coding change: c.3580C>G on transcript NM_015662.3 (MANE Select); coding-DNA position 3580, C replaced by G.
Protein change: p.His1194Asp; replaces histidine 1194 with aspartic acid.
Molecular consequence: missense variant.
Genome position (GRCh38, 1-based): chr2:27,454,113, G>C on the plus strand (C>G on the coding strand, the complement: IFT172 is on the minus strand). VCF-style: chr2-27454113-G-C. GRCh37 (hg19) VCF-style: chr2-27676980-G-C.
Other names: short protein forms H1194D.
Identifiers: ClinVar variation 1351300 (VCV001351300.8), dbSNP rs764965204, ClinGen allele CA1579931.

ClinVar aggregate classification (germline): Uncertain significance (1 of 4 stars; one submission).

Conditions:
Retinitis pigmentosa 71 (RP71). Identifiers: Orphanet 791, MedGen C4225342, MONDO:0014618, OMIM 616394.
Short-rib thoracic dysplasia 10 with or without polydactyly (SRTD10). Identifiers: Orphanet 474, MedGen C3810175, MONDO:0014284, OMIM 615630.

Allele frequency attached by ClinVar (database versions not stated): gnomAD exomes below 0.00001; TOPMed below 0.00001; ExAC 0.00001.

Submission:

Labcorp Genetics (formerly Invitae), Labcorp
Classification: Uncertain significance for Retinitis pigmentosa 71; Short-rib thoracic dysplasia 10 with or without polydactyly. Last evaluated: 2024-10-17. Review status: criteria provided, single submitter. Criteria: Invitae Variant Classification Sherloc (09022015). Collection method: clinical testing. Allele origin: germline.
Comment: This sequence change replaces histidine, which is basic and polar, with aspartic acid, which is acidic and polar, at codon 1194 of the IFT172 protein (p.His1194Asp). This variant is present in population databases (rs764965204, gnomAD 0.003%). This variant has not been reported in the literature in individuals affected with IFT172-related conditions. ClinVar contains an entry for this variant (Variation ID: 1351300). Invitae Evidence Modeling of protein sequence and biophysical properties (such as structural, functional, and spatial information, amino acid conservation, physicochemical variation, residue mobility, and thermodynamic stability) has been performed for this missense variant. However, the output from this modeling did not meet the statistical confidence thresholds required to predict the impact of this variant on IFT172 protein function. In summary, the available evidence is currently insufficient to determine the role of this variant in disease. Therefore, it has been classified as a Variant of Uncertain Significance.